The following is an entry in ClinVar:

NM_020975.6(RET):c.2875C>T (p.Arg959Trp)

Gene: RET (ret proto-oncogene; plus strand). Cytogenetic location: 10q11.21.
Variant type: single nucleotide variant.
Coding change: c.2875C>T on transcript NM_020975.6 (MANE Select); coding-DNA position 2875, C replaced by T.
Protein change: p.Arg959Trp; replaces arginine 959 with tryptophan.
Molecular consequence: missense variant.
Genome position (GRCh38, 1-based): chr10:43,123,744, C>T. VCF-style: chr10-43123744-C-T. GRCh37 (hg19) VCF-style: chr10-43619192-C-T.
Other names: c.2875C>T, p.Arg959Trp (NM_000323.2, NM_001406743.1, NM_001406744.1 and 4 more transcripts); c.2113C>T, p.Arg705Trp (NM_001355216.2); c.2746C>T, p.Arg916Trp (NM_001406761.1, NM_001406762.1, NM_001406764.1); c.2740C>T, p.Arg914Trp (NM_001406763.1, NM_001406765.1); c.2587C>T, p.Arg863Trp (NM_001406766.1, NM_001406767.1, NM_001406770.1); c.2611C>T, p.Arg871Trp (NM_001406768.1); c.2479C>T, p.Arg827Trp (NM_001406769.1, NM_001406772.1); c.2437C>T, p.Arg813Trp (NM_001406771.1, NM_001406773.1); and 10 more; short protein forms R959W, R705W, R476W, R617W, R620W, R827W, R524W, R615W.
Identifiers: ClinVar variation 135180 (VCV000135180.16), dbSNP rs587778658, ClinGen allele CA009124.

ClinVar aggregate classification (germline): Uncertain significance. Review status: criteria provided, multiple submitters, no conflicts (2 of 4 stars). 8 submissions from 7 submitters: Uncertain significance (5). 3 of the submissions do not count toward it. Last evaluated 2025-11-03.

Conditions:
Multiple endocrine neoplasia type 2B. Also called: MEN IIB; NEUROMATA, MUCOSAL, WITH ENDOCRINE TUMORS; Multiple endocrine neoplasia, type 3; MULTIPLE ENDOCRINE NEOPLASIA, TYPE IIB; MEN 2B; WAGENMANN-FROBOESE SYNDROME. Identifiers: Orphanet 247709, Orphanet 653, MedGen C0025269, MeSH D018814, MONDO:0008082, OMIM 162300.
Hereditary cancer-predisposing syndrome. Also called: Tumor predisposition; Hereditary neoplastic syndrome; Neoplastic Syndromes, Hereditary; Hereditary Cancer Syndrome. Identifiers: Orphanet 140162, MedGen C0027672, MeSH D009386, MONDO:0015356.
Multiple endocrine neoplasia, type 2 (MEN2). Identifiers: Orphanet 653, MedGen C4048306, MONDO:0019003. Disease mechanism: gain of function.
Multiple endocrine neoplasia type 2A. Also called: MULTIPLE ENDOCRINE NEOPLASIA, TYPE IIA; PTC SYNDROME; SIPPLE SYNDROME; MEN 2A; MEN-2A syndrome; Pheochromocytoma and amyloid producing medullary thyroid carcinoma. Identifiers: Orphanet 247698, Orphanet 653, MedGen C0025268, MeSH D018813, MONDO:0008234, OMIM 171400.

Allele frequency attached by ClinVar (database versions not stated): ExAC 0.00002; gnomAD 0.00002; TOPMed 0.00002; gnomAD exomes 0.00001.
gnomAD v4.1: 15 of 1,614,032 alleles (0.00093%); highest among the groups gnomAD compares: Admixed American, 0.0033%; no homozygotes.

Submissions (8):

Ambry Genetics
Classification: Uncertain significance for Hereditary cancer-predisposing syndrome. Last evaluated: 2025-11-03. Review status: criteria provided, single submitter. Criteria: Ambry Variant Classification Scheme 2023. Collection method: clinical testing. Allele origin: germline.
Comment: The p.R959W variant (also known as c.2875C>T), located in coding exon 17 of the RET gene, results from a C to T substitution at nucleotide position 2875. The arginine at codon 959 is replaced by tryptophan, an amino acid with dissimilar properties. This amino acid position is highly conserved in available vertebrate species. In addition, this alteration is predicted to be deleterious by in silico analysis. Based on the available evidence, the clinical significance of this variant remains unclear.

Labcorp Genetics (formerly Invitae), Labcorp
Classification: Uncertain significance for Multiple endocrine neoplasia, type 2. Last evaluated: 2025-10-15. Review status: criteria provided, single submitter. Criteria: Invitae Variant Classification Sherloc (09022015). Collection method: clinical testing. Allele origin: germline.
Comment: This sequence change replaces arginine, which is basic and polar, with tryptophan, which is neutral and slightly polar, at codon 959 of the RET protein (p.Arg959Trp). This variant is present in population databases (rs587778658, gnomAD 0.006%). This variant has not been reported in the literature in individuals affected with RET-related conditions. ClinVar contains an entry for this variant (Variation ID: 135180). An algorithm developed to predict the effect of missense changes on protein structure and function (PolyPhen-2) suggests that this variant is likely to be disruptive. In summary, the available evidence is currently insufficient to determine the role of this variant in disease. Therefore, it has been classified as a Variant of Uncertain Significance.

All of Us Research Program, National Institutes of Health
Classification: Uncertain significance for Multiple endocrine neoplasia, type 2. Last evaluated: 2024-06-17. Review status: criteria provided, single submitter. Criteria: ACMG Guidelines, 2015. Collection method: clinical testing. Allele origin: germline. Inheritance: Autosomal dominant inheritance. Observed: 2 variant alleles, 2 heterozygotes.
Comment: This missense variant replaces arginine with tryptophan at codon 959 of the RET protein. Computational prediction suggests that this variant may have deleterious impact on protein structure and function (internally defined REVEL score threshold >= 0.7, PMID: 27666373). To our knowledge, functional studies have not been reported for this variant. This variant has not been reported in individuals affected with hereditary cancer in the literature. This variant has been identified in 3/282842 chromosomes in the general population by the Genome Aggregation Database (gnomAD). The available evidence is insufficient to determine the role of this variant in disease conclusively. Therefore, this variant is classified as a Variant of Uncertain Significance.

This study involves interpretation of variants in research participants for the purpose of population health screening. Participant phenotype was not available at the time of variant classification. Additional details can be found in publication PMID: 35346344, PMCID: PMC8962531

Color Diagnostics, LLC DBA Color Health
Classification: Uncertain significance for Multiple endocrine neoplasia, type 2. Last evaluated: 2024-06-05. Review status: criteria provided, single submitter. Criteria: ACMG Guidelines, 2015. Collection method: clinical testing. Allele origin: germline.
Comment: This missense variant replaces arginine with tryptophan at codon 959 of the RET protein. Computational prediction suggests that this variant may have deleterious impact on protein structure and function. To our knowledge, functional studies have not been reported for this variant. This variant has not been reported in individuals affected with hereditary cancer in the literature. This variant has been identified in 3/282842 chromosomes in the general population by the Genome Aggregation Database (gnomAD). The available evidence is insufficient to determine the role of this variant in disease conclusively. Therefore, this variant is classified as a Variant of Uncertain Significance.

GeneDx
Classification: Uncertain significance. Last evaluated: 2024-05-08. Review status: criteria provided, single submitter. Criteria: GeneDx Variant Classification Process June 2021. Collection method: clinical testing. Allele origin: germline. Affected: yes.
Comment: Not observed at significant frequency in large population cohorts (gnomAD); In silico analysis supports that this missense variant has a deleterious effect on protein structure/function; Identified in healthy individuals undergoing whole genome sequencing (PMID: 24728327); This variant is associated with the following publications: (PMID: 14633923, 24728327)

Counsyl
Classification: Uncertain significance for Multiple endocrine neoplasia type 2B. Last evaluated: 2016-02-02. Review status: no assertion criteria provided. Collection method: clinical testing. Allele origin: unknown. Not counted in ClinVar's aggregate classification.

Counsyl
Classification: Uncertain significance for Multiple endocrine neoplasia type 2A. Last evaluated: 2016-02-02. Review status: no assertion criteria provided. Collection method: clinical testing. Allele origin: unknown. Not counted in ClinVar's aggregate classification.

ITMI
No classification provided. Condition: AllHighlyPenetrant. Last evaluated: 2013-09-19. Review status: no classification provided. Collection method: reference population. Allele origin: germline. Not counted in ClinVar's aggregate classification.
Comment: Please see associated publication for description of ethnicities

Literature cited by the submitters: PubMed 24728327 (cited by 3 submitters).